The following is an entry in ClinVar:

NM_000302.4(PLOD1):c.952A>T (p.Met318Leu)

Gene: PLOD1 (procollagen-lysine,2-oxoglutarate 5-dioxygenase 1; plus strand). Cytogenetic location: 1p36.22.
Variant type: single nucleotide variant.
Coding change: c.952A>T on transcript NM_000302.4 (MANE Select); coding-DNA position 952, A replaced by T.
Protein change: p.Met318Leu; replaces methionine 318 with leucine.
Molecular consequence: missense variant.
Genome position (GRCh38, 1-based): chr1:11,958,624, A>T. VCF-style: chr1-11958624-A-T. GRCh37 (hg19) VCF-style: chr1-12018681-A-T.
Other names: c.1093A>T, p.Met365Leu (NM_001316320.2); short protein forms M365L, M318L.
Identifiers: ClinVar variation 3420944 (VCV003420944.1).

ClinVar aggregate classification (germline): Uncertain significance (1 of 4 stars; one submission).

Conditions:
Familial thoracic aortic aneurysm and aortic dissection (TAAD). Also called: Thoracic aortic aneurysms and dissections. Identifiers: Orphanet 91387, MedGen C4707243, MONDO:0019625.

Submission:

Ambry Genetics
Classification: Uncertain significance for Familial thoracic aortic aneurysm and aortic dissection. Last evaluated: 2024-10-24. Review status: criteria provided, single submitter. Criteria: Ambry Variant Classification Scheme 2023. Collection method: clinical testing. Allele origin: germline.
Comment: The p.M318L variant (also known as c.952A>T), located in coding exon 9 of the PLOD1 gene, results from an A to T substitution at nucleotide position 952. The methionine at codon 318 is replaced by leucine, an amino acid with highly similar properties. This amino acid position is conserved. In addition, this alteration is predicted to be tolerated by in silico analysis. Based on the available evidence, the clinical significance of this variant remains unclear.